The following is an entry in ClinVar:

ClinVar aggregate classification (germline): Benign/Likely benign. Review status: criteria provided, multiple submitters, no conflicts (2 of 4 stars). 6 submissions from 6 submitters: Benign (1); Likely benign (3). 2 of the submissions do not count toward it. Last evaluated 2026-06-01.

Allele frequency attached by ClinVar (database versions not stated): ESP Exome Variant Server 0.00008; 1000 Genomes Project 30x 0.00016; ExAC 0.00018; gnomAD exomes 0.00019 and 0.00035; 1000 Genomes Project 0.00020; gnomAD 0.00055 and 0.00057; TOPMed 0.00064.
gnomAD v4.1: 379 of 1,612,536 alleles (0.024%); highest among the groups gnomAD compares: Admixed American, 0.19%; 1 homozygote.

Submissions (6):

CeGaT Center for Human Genetics Tuebingen
Classification: Likely benign. Last evaluated: 2026-06-01. Review status: criteria provided, single submitter. Criteria: CeGaT Center For Human Genetics Tuebingen Variant Classification Criteria Version 2. Collection method: clinical testing. Allele origin: germline. Affected: yes. Observed: 4 variant alleles.
Comment: FGFR3: BP4, BP7

Labcorp Genetics (formerly Invitae), Labcorp
Classification: Likely benign. Last evaluated: 2025-10-31. Review status: criteria provided, single submitter. Criteria: Invitae Variant Classification Sherloc (09022015). Collection method: clinical testing. Allele origin: germline.

Blueprint Genetics
Classification: Likely benign. Last evaluated: 2024-11-19. Review status: criteria provided, single submitter. Criteria: ACMG Guidelines, 2015. Collection method: clinical testing. Allele origin: germline.

GeneDx
Classification: Benign. Last evaluated: 2020-03-17. Review status: criteria provided, single submitter. Criteria: GeneDx Variant Classification Process June 2021. Collection method: clinical testing. Allele origin: germline. Affected: yes.

Genome Diagnostics Laboratory, University Medical Center Utrecht
Classification: Likely benign. Review status: no assertion criteria provided. Collection method: clinical testing. Allele origin: germline. Affected: yes. Study: VKGL Data-share Consensus. Not counted in ClinVar's aggregate classification.

Laboratory of Diagnostic Genome Analysis, Leiden University Medical Center (LUMC)
Classification: Likely benign. Review status: no assertion criteria provided. Collection method: clinical testing. Allele origin: germline. Affected: yes. Study: VKGL Data-share Consensus. Not counted in ClinVar's aggregate classification.

NM_000142.5(FGFR3):c.1671C>T (p.Tyr557=)

Gene: FGFR3 (fibroblast growth factor receptor 3; plus strand). Cytogenetic location: 4p16.3.
Variant type: single nucleotide variant.
Coding change: c.1671C>T on transcript NM_000142.5 (MANE Select); coding-DNA position 1671, C replaced by T.
Protein change: p.Tyr557=; no amino-acid change (tyrosine 557 retained).
Molecular consequence: synonymous variant. On other transcripts: non-coding transcript variant (1).
Genome position (GRCh38, 1-based): chr4:1,805,775, C>T. VCF-style: chr4-1805775-C-T. GRCh37 (hg19) VCF-style: chr4-1807502-C-T.
Other names: c.1677C>T, p.Tyr559= (NM_001163213.2); c.1674C>T, p.Tyr558= (NM_001354809.2, NM_001354810.2); c.1335C>T, p.Tyr445= (NM_022965.4).
Identifiers: ClinVar variation 767152 (VCV000767152.35), dbSNP rs370408732, ClinGen allele CA2810536.
Genomic context (GRCh38, chr4:1,805,775, plus strand): 5'-GCCTGGCAGCCCGTCTGAGGAGCCCGTGTCCCCAGGGCCCCTGTACGTGCTGGTGGAGTA[C>T]GCGGCCAAGGGTAACCTGCGGGAGTTTCTGCGGGCGCGGCGGCCCCCGGGCCTGGACTAC-3'
Protein context (NP_000133.1, residues 547-567): QGGPLYVLVE[Tyr557=]AAKGNLREFL